The following is an entry in ClinVar:

ClinVar aggregate classification (germline): Likely benign (1 of 4 stars; one submission).

Allele frequency attached by ClinVar (database versions not stated): 1000 Genomes Project 0.00839; 1000 Genomes Project 30x 0.00968; gnomAD 0.00819; TOPMed 0.01008.

Submission:

GeneDx
Classification: Likely benign. Last evaluated: 2021-12-22. Review status: criteria provided, single submitter. Criteria: GeneDx Variant Classification Process June 2021. Collection method: clinical testing. Allele origin: germline. Affected: yes.
Comment: See Variant Classification Assertion Criteria.

NM_020465.4(NDRG4):c.-24+139C>T

Gene: NDRG4 (NDRG family member 4; plus strand). Cytogenetic location: 16q21.
Variant type: single nucleotide variant.
Coding change: c.-24+139C>T on transcript NM_020465.4; 139 bases into the intron after 24 bases upstream of the start codon, C replaced by T.
Molecular consequence: intron variant.
Genome position (GRCh38, 1-based): chr16:58,463,936, C>T. VCF-style: chr16-58463936-C-T. GRCh37 (hg19) VCF-style: chr16-58497840-C-T.
Other names: c.-70+139C>T (NM_001378346.1); c.-24+139C>T (NM_001378339.1, NM_001378338.1, NM_001378342.1 and 1 more transcripts).
Identifiers: ClinVar variation 1803534 (VCV001803534.1), dbSNP rs545116579, ClinGen allele CA281662979.